The following is an entry in ClinVar:

NM_000245.4(MET):c.2110A>T (p.Asn704Tyr)

Gene: MET (MET proto-oncogene, receptor tyrosine kinase; plus strand). Cytogenetic location: 7q31.2.
Variant type: single nucleotide variant.
Coding change: c.2110A>T on transcript NM_000245.4 (MANE Select); coding-DNA position 2110, A replaced by T.
Protein change: p.Asn704Tyr; replaces asparagine 704 with tyrosine.
Molecular consequence: missense variant.
Genome position (GRCh38, 1-based): chr7:116,758,466, A>T. VCF-style: chr7-116758466-A-T. GRCh37 (hg19) VCF-style: chr7-116398520-A-T.
Other names: c.2110A>T, p.Asn704Tyr (NM_001127500.3, NM_001324401.3); c.820A>T, p.Asn274Tyr (NM_001324402.2); short protein forms N274Y, N704Y.
Identifiers: ClinVar variation 2904772 (VCV002904772.5), dbSNP rs373030463, ClinGen allele CA368980388.

ClinVar aggregate classification (germline): Conflicting classifications of pathogenicity. Review status: criteria provided, conflicting classifications (1 of 4 stars). 2 submissions from 2 submitters: Uncertain significance (1); Likely benign (1). Last evaluated 2026-07-30.

Conditions:
Hereditary cancer-predisposing syndrome. Also called: Hereditary Cancer Syndrome; Hereditary neoplastic syndrome; Neoplastic Syndromes, Hereditary; Tumor predisposition. Identifiers: Orphanet 140162, MedGen C0027672, MeSH D009386, MONDO:0015356.
Renal cell carcinoma. Identifiers: Orphanet 217071, MedGen C0007134, MeSH D002292, MONDO:0005086, HP:0005584.

Submissions (2):

Ambry Genetics
Classification: Likely benign for Hereditary cancer-predisposing syndrome. Last evaluated: 2026-07-30. Review status: criteria provided, single submitter. Criteria: Ambry Variant Classification Scheme 2023. Collection method: clinical testing. Allele origin: germline.

Labcorp Genetics (formerly Invitae), Labcorp
Classification: Uncertain significance for Renal cell carcinoma. Last evaluated: 2025-06-18. Review status: criteria provided, single submitter. Criteria: Invitae Variant Classification Sherloc (09022015). Collection method: clinical testing. Allele origin: germline.
Comment: This sequence change replaces asparagine, which is neutral and polar, with tyrosine, which is neutral and polar, at codon 704 of the MET protein (p.Asn704Tyr). This variant is not present in population databases (gnomAD no frequency). This variant has not been reported in the literature in individuals affected with MET-related conditions. ClinVar contains an entry for this variant (Variation ID: 2904772). Invitae Evidence Modeling of protein sequence and biophysical properties (such as structural, functional, and spatial information, amino acid conservation, physicochemical variation, residue mobility, and thermodynamic stability) indicates that this missense variant is not expected to disrupt MET protein function with a negative predictive value of 80%. In summary, the available evidence is currently insufficient to determine the role of this variant in disease. Therefore, it has been classified as a Variant of Uncertain Significance.